The following is an entry in ClinVar:

NM_000525.4(KCNJ11):c.813_814insT (p.Pro272fs)

Gene: KCNJ11 (potassium inwardly rectifying channel subfamily J member 11; minus strand). Cytogenetic location: 11p15.1.
Variant type: Insertion.
Coding change: c.813_814insT on transcript NM_000525.4 (MANE Select); coding-DNA positions 813 to 814, T inserted.
Protein change: p.Pro272fs; shifts the reading frame from proline 272.
Molecular consequence: frameshift variant.
Genome position: GRCh38 VCF-style: chr11-17387278-G-GA. GRCh37 (hg19) VCF-style: chr11-17408825-G-GA.
Other names: c.552_553insT, p.Pro185fs (NM_001166290.2, NM_001377296.1, NM_001377297.1); short protein forms P272fs, P185fs.
Identifiers: ClinVar variation 2034644 (VCV002034644.4), dbSNP rs764143976, ClinGen allele CA5902241.

ClinVar aggregate classification (germline): Pathogenic (1 of 4 stars; one submission).

Allele frequency attached by ClinVar (database versions not stated): gnomAD exomes below 0.00001; ExAC 0.00001.

Submission:

Labcorp Genetics (formerly Invitae), Labcorp
Classification: Pathogenic. Last evaluated: 2022-10-07. Review status: criteria provided, single submitter. Criteria: Invitae Variant Classification Sherloc (09022015). Collection method: clinical testing. Allele origin: germline.
Comment: This sequence change creates a premature translational stop signal (p.Pro272Serfs*37) in the KCNJ11 gene. While this is not anticipated to result in nonsense mediated decay, it is expected to disrupt the last 119 amino acid(s) of the KCNJ11 protein. For these reasons, this variant has been classified as Pathogenic. This variant disrupts a region of the KCNJ11 protein in which other variant(s) (p.Arg301Pro) have been determined to be pathogenic (PMID: 18250167, 21115269, 28787272). This suggests that this is a clinically significant region of the protein, and that variants that disrupt it are likely to be disease-causing. This variant is also known as Ins1337T a1336t or c.813delinsTT. This premature translational stop signal has been observed in individual(s) with focal congenital hyperinsulinism of infancy (PMID: 17316607). This variant is present in population databases (rs764143976, gnomAD 0.0009%).

Literature cited by the submitters: PubMed 18250167; PubMed 21115269; PubMed 28787272; PubMed 17316607.